The following is an entry in ClinVar:

ClinVar aggregate classification (germline): Uncertain significance (1 of 4 stars; one submission).

Conditions:
Combined immunodeficiency due to STIM1 deficiency. Also called: STIM1 DEFICIENCY; IMMUNODEFICIENCY 10. Identifiers: Orphanet 169090, Orphanet 317430, MedGen C2748557, MONDO:0013008, OMIM 612783.
Stormorken syndrome (STRMK). Also called: THROMBOCYTOPATHY, ASPLENIA, AND MIOSIS. Identifiers: Orphanet 3204, MedGen C1861451, MONDO:0008497, OMIM 185070.
Myopathy with tubular aggregates (TAM). Also called: Tubular Aggregate Myopathy. Identifiers: Orphanet 2593, MedGen C0410207, MONDO:0008051.

Submission:

Labcorp Genetics (formerly Invitae), Labcorp
Classification: Uncertain significance for Myopathy with tubular aggregates; Combined immunodeficiency due to STIM1 deficiency; Stormorken syndrome. Last evaluated: 2024-12-12. Review status: criteria provided, single submitter. Criteria: Invitae Variant Classification Sherloc (09022015). Collection method: clinical testing. Allele origin: germline.
Comment: This sequence change replaces phenylalanine, which is neutral and non-polar, with tyrosine, which is neutral and polar, at codon 471 of the STIM1 protein (p.Phe471Tyr). The frequency data for this variant in the population databases is considered unreliable, as metrics indicate poor data quality at this position in the gnomAD database. This variant has not been reported in the literature in individuals affected with STIM1-related conditions. Invitae Evidence Modeling of protein sequence and biophysical properties (such as structural, functional, and spatial information, amino acid conservation, physicochemical variation, residue mobility, and thermodynamic stability) has been performed for this missense variant. However, the output from this modeling did not meet the statistical confidence thresholds required to predict the impact of this variant on STIM1 protein function. In summary, the available evidence is currently insufficient to determine the role of this variant in disease. Therefore, it has been classified as a Variant of Uncertain Significance.

NM_001382567.1(STIM1):c.1412T>A (p.Phe471Tyr)

Gene: STIM1 (stromal interaction molecule 1; plus strand). Cytogenetic location: 11p15.4.
Variant type: single nucleotide variant.
Coding change: c.1412T>A on transcript NM_001382567.1 (MANE Select); coding-DNA position 1412, T replaced by A.
Protein change: p.Phe471Tyr; replaces phenylalanine 471 with tyrosine.
Molecular consequence: missense variant. On other transcripts: non-coding transcript variant (2).
Genome position (GRCh38, 1-based): chr11:4,083,436, T>A. VCF-style: chr11-4083436-T-A. GRCh37 (hg19) VCF-style: chr11-4104666-T-A.
Other names: c.1412T>A, p.Phe471Tyr (NM_001277961.3, NM_001277962.2, NM_003156.4); c.1190T>A, p.Phe397Tyr (NM_001382566.1, NM_001382573.1, NM_001382575.1 and 4 more transcripts); c.1433T>A, p.Phe478Tyr (NM_001382568.1); c.1277T>A, p.Phe426Tyr (NM_001382569.1); c.1184T>A, p.Phe395Tyr (NM_001382570.1); c.932T>A, p.Phe311Tyr (NM_001382571.1); c.923T>A, p.Phe308Tyr (NM_001382580.1, NM_001382581.1); short protein forms F308Y, F311Y, F395Y, F397Y, F426Y, F471Y, F478Y.
Identifiers: ClinVar variation 3760570 (VCV003760570.2).